The following is an entry in ClinVar:

ClinVar aggregate classification (germline): Pathogenic/Likely pathogenic. Review status: criteria provided, multiple submitters, no conflicts (2 of 4 stars). 3 submissions from 3 submitters: Pathogenic (2); Likely pathogenic (1). Last evaluated 2023-04-27.

Conditions:
Hereditary cancer-predisposing syndrome. Also called: Neoplastic Syndromes, Hereditary; Tumor predisposition; Hereditary Cancer Syndrome; Hereditary neoplastic syndrome. Identifiers: Orphanet 140162, MedGen C0027672, MeSH D009386, MONDO:0015356.
Familial cancer of breast. Also called: Hereditary breast cancer; hereditary breast carcinoma; BREAST CANCER, FAMILIAL. Identifiers: Orphanet 227535, MedGen C0346153, MONDO:0016419, OMIM 114480. Disease mechanism: loss of function.
Ataxia-telangiectasia syndrome (AT). Also called: Ataxia telangiectasia (A-T); ATAXIA-TELANGIECTASIA, COMPLEMENTATION GROUP A; ATAXIA-TELANGIECTASIA, FRESNO VARIANT; Ataxia-telangiectasia; Ataxia-telangiectasia, complementation group E; LOUIS-BAR SYNDROME. Identifiers: Orphanet 100, MedGen C0004135, MONDO:0008840, OMIM 208900.

Submissions (3):

Baylor Genetics
Classification: Likely pathogenic for Familial cancer of breast. Last evaluated: 2023-04-27. Review status: criteria provided, single submitter. Criteria: ACMG Guidelines, 2015. Collection method: clinical testing. Allele origin: unknown.

Labcorp Genetics (formerly Invitae), Labcorp
Classification: Pathogenic for Ataxia-telangiectasia syndrome. Last evaluated: 2020-07-26. Review status: criteria provided, single submitter. Criteria: Invitae Variant Classification Sherloc (09022015). Collection method: clinical testing. Allele origin: germline.
Comment: Loss-of-function variants in ATM are known to be pathogenic (PMID: 23807571, 25614872). For these reasons, this variant has been classified as Pathogenic. This variant has not been reported in the literature in individuals with ATM-related conditions. This variant is not present in population databases (ExAC no frequency). This sequence change creates a premature translational stop signal (p.Ser1993Lysfs*6) in the ATM gene. It is expected to result in an absent or disrupted protein product.

Ambry Genetics
Classification: Pathogenic for Hereditary cancer-predisposing syndrome. Last evaluated: 2020-06-17. Review status: criteria provided, single submitter. Criteria: Ambry Variant Classification Scheme 2023. Collection method: clinical testing. Allele origin: germline.
Comment: The c.5978_5981delGTAA pathogenic mutation, located in coding exon 39 of the ATM gene, results from a deletion of 4 nucleotides at nucleotide positions 5978 to 5981, causing a translational frameshift with a predicted alternate stop codon (p.S1993Kfs*6). This alteration is expected to result in loss of function by premature protein truncation or nonsense-mediated mRNA decay. As such, this alteration is interpreted as a disease-causing mutation.

Literature cited by the submitters: PubMed 23807571 (cited by Labcorp Genetics (formerly Invitae), Labcorp); PubMed 25614872 (cited by Labcorp Genetics (formerly Invitae), Labcorp).

NM_000051.4(ATM):c.5978_5981del (p.Ser1993fs)

Genes: ATM (ATM serine/threonine kinase; plus strand), C11orf65 (chromosome 11 open reading frame 65; minus strand). Cytogenetic location: 11q22.3.
Variant type: Deletion.
Coding change: c.5978_5981del on transcript NM_000051.4 (MANE Select); coding-DNA positions 5978 to 5981, 4 bases deleted (GTAA; older notation c.5978_5981delGTAA).
Protein change: p.Ser1993fs; shifts the reading frame from serine 1993.
Molecular consequence: frameshift variant. On other transcripts: intron variant (2).
Genome position (GRCh38, 1-based): chr11:108,312,470-108,312,473, GTAA deleted; deleting any 4 consecutive bases within chr11:108,312,468-108,312,473 gives the same sequence; the c. name uses the placement nearest the transcript's 3' end. VCF-style (leftmost placement, unchanged base first): chr11-108312467-AAAGT-A. GRCh37 (hg19) VCF-style: chr11-108183194-AAAGT-A.
Other names: c.5978_5981del, p.Ser1993fs (NM_001351834.2); c.641-3400_641-3397del (NM_001330368.2); c.*39-3400_*39-3397del (NM_001351110.2); short protein forms S1993fs.
Identifiers: ClinVar variation 1076586 (VCV001076586.11), dbSNP rs2136061889, ClinGen allele CA2499220673.